The following is an entry in ClinVar:

NM_000179.3(MSH6):c.1285G>A (p.Val429Met)

Gene: MSH6 (mutS homolog 6; plus strand). Cytogenetic location: 2p16.3.
Variant type: single nucleotide variant.
Coding change: c.1285G>A on transcript NM_000179.3 (MANE Select); coding-DNA position 1285, G replaced by A.
Protein change: p.Val429Met; replaces valine 429 with methionine.
Molecular consequence: missense variant.
Genome position (GRCh38, 1-based): chr2:47,799,268, G>A. VCF-style: chr2-47799268-G-A. GRCh37 (hg19) VCF-style: chr2-48026407-G-A.
Other names: c.895G>A, p.Val299Met (NM_001281492.2); c.379G>A, p.Val127Met (NM_001281493.2, NM_001281494.2); short protein forms V299M, V127M, V429M.
Identifiers: ClinVar variation 921616 (VCV000921616.8), dbSNP rs1669315670, ClinGen allele CA346744150.
Genomic context (GRCh38, chr2:47,799,268, plus strand): 5'-GGGATGAGGAAGTGGTGGCAGATTAAGTCTCAGAACTTTGATCTTGTCATCTGTTACAAG[G>A]TGGGGAAATTTTATGAGCTGTACCACATGGATGCTCTTATTGGAGTCAGTGAACTGGGGC-3'
Protein context (NP_000170.1, residues 419-439): QNFDLVICYK[Val429Met]GKFYELYHMD

ClinVar aggregate classification (germline): Uncertain significance. Review status: criteria provided, multiple submitters, no conflicts (2 of 4 stars). 4 submissions from 4 submitters: Uncertain significance (4). Last evaluated 2024-06-14.

Conditions:
Hereditary nonpolyposis colorectal neoplasms. Identifiers: MedGen C0009405, MeSH D003123.
Hereditary cancer-predisposing syndrome. Also called: Neoplastic Syndromes, Hereditary; Tumor predisposition; Hereditary Cancer Syndrome; Hereditary neoplastic syndrome. Identifiers: Orphanet 140162, MedGen C0027672, MeSH D009386, MONDO:0015356.

Submissions (4):

Ambry Genetics
Classification: Uncertain significance for Hereditary cancer-predisposing syndrome. Last evaluated: 2024-06-14. Review status: criteria provided, single submitter. Criteria: Ambry Variant Classification Scheme 2023. Collection method: clinical testing. Allele origin: germline.
Comment: The p.V429M variant (also known as c.1285G>A), located in coding exon 4 of the MSH6 gene, results from a G to A substitution at nucleotide position 1285. The valine at codon 429 is replaced by methionine, an amino acid with highly similar properties. This variant was identified in a cohort of 3,579 African males diagnosed with prostate cancer who underwent multi-gene panel testing of 19 DNA repair and cancer predisposition genes (Matejcic M et al. JCO Precis Oncol, 2020 Jan;4:32-43). This amino acid position is highly conserved in available vertebrate species. In addition, this alteration is predicted to be deleterious by in silico analysis. Based on the available evidence, the clinical significance of this variant remains unclear.

Labcorp Genetics (formerly Invitae), Labcorp
Classification: Uncertain significance for Hereditary nonpolyposis colorectal neoplasms. Last evaluated: 2024-06-13. Review status: criteria provided, single submitter. Criteria: Invitae Variant Classification Sherloc (09022015). Collection method: clinical testing. Allele origin: germline.
Comment: This sequence change replaces valine, which is neutral and non-polar, with methionine, which is neutral and non-polar, at codon 429 of the MSH6 protein (p.Val429Met). This variant is not present in population databases (gnomAD no frequency). This variant has not been reported in the literature in individuals affected with MSH6-related conditions. ClinVar contains an entry for this variant (Variation ID: 921616). Advanced modeling of protein sequence and biophysical properties (such as structural, functional, and spatial information, amino acid conservation, physicochemical variation, residue mobility, and thermodynamic stability) performed at Invitae indicates that this missense variant is not expected to disrupt MSH6 protein function with a negative predictive value of 95%. In summary, the available evidence is currently insufficient to determine the role of this variant in disease. Therefore, it has been classified as a Variant of Uncertain Significance.

GeneDx
Classification: Uncertain significance. Last evaluated: 2021-10-04. Review status: criteria provided, single submitter. Criteria: GeneDx Variant Classification Process June 2021. Collection method: clinical testing. Allele origin: germline. Affected: yes.
Comment: Not observed in large population cohorts (Lek 2016); In silico analysis supports that this missense variant has a deleterious effect on protein structure/function; Has not been previously published as pathogenic or benign to our knowledge; This variant is associated with the following publications: (PMID: 21120944, 17531815)

Color Diagnostics, LLC DBA Color Health
Classification: Uncertain significance for Hereditary cancer-predisposing syndrome. Last evaluated: 2018-11-16. Review status: criteria provided, single submitter. Criteria: ACMG Guidelines, 2015. Collection method: clinical testing. Allele origin: germline.

Literature cited by the submitters: PubMed 32832836 (cited by Ambry Genetics).